The following is an entry in ClinVar:

NC_000013.10:g.(?_32911939)_(32918919_?)del

Gene: BRCA2 (BRCA2 DNA repair associated; plus strand). Cytogenetic location: 13q13.1.
Variant type: Deletion.
Identifiers: ClinVar variation 3244180 (VCV003244180.1).

ClinVar aggregate classification (germline): Likely pathogenic (1 of 4 stars; one submission).

Conditions:
Hereditary breast ovarian cancer syndrome. Also called: Hereditary breast and ovarian cancer syndrome; Hereditary breast and ovarian cancer; Hereditary breast and ovarian cancer syndrome (HBOC); Breast and ovarian cancer; Hereditary breast and/or ovarian cancer syndrome; BRCA1- and BRCA2-Associated Hereditary Breast and Ovarian Cancer. Identifiers: Orphanet 145, MedGen C0677776, MeSH D061325, MONDO:0003582. Disease mechanism: loss of function.

Submission:

Labcorp Genetics (formerly Invitae), Labcorp
Classification: Likely pathogenic for Hereditary breast ovarian cancer syndrome. Last evaluated: 2023-08-10. Review status: criteria provided, single submitter. Criteria: Invitae Variant Classification Sherloc (09022015). Collection method: clinical testing. Allele origin: unknown.
Comment: This variant results in the deletion of exon 12 and part of exon 11 (c.3450_6937+132del) of the BRCA2 gene. It is expected to disrupt RNA splicing. Variants that disrupt the donor or acceptor splice site typically lead to a loss of protein function (PMID: 16199547), and loss-of-function variants in BRCA2 are known to be pathogenic (PMID: 20104584). This variant has not been reported in the literature in individuals affected with BRCA2-related conditions. In summary, the currently available evidence indicates that the variant is pathogenic, but additional data are needed to prove that conclusively. Therefore, this variant has been classified as Likely Pathogenic.

Literature cited by the submitters: PubMed 16199547; PubMed 20104584.